The following is an entry in ClinVar:

NM_002691.4(POLD1):c.1203C>A (p.Phe401Leu)

Gene: POLD1 (DNA polymerase delta 1, catalytic subunit; plus strand). Cytogenetic location: 19q13.33.
Variant type: single nucleotide variant.
Coding change: c.1203C>A on transcript NM_002691.4 (MANE Select); coding-DNA position 1203, C replaced by A.
Protein change: p.Phe401Leu; replaces phenylalanine 401 with leucine.
Molecular consequence: missense variant. On other transcripts: non-coding transcript variant (1).
Genome position (GRCh38, 1-based): chr19:50,403,558, C>A. VCF-style: chr19-50403558-C-A. GRCh37 (hg19) VCF-style: chr19-50906815-C-A.
Other names: c.1203C>A, p.Phe401Leu (NM_001256849.1, NM_001308632.1, NM_001438210.1 and 3 more transcripts); short protein forms F401L.
Identifiers: ClinVar variation 4742345 (VCV004742345.1).

ClinVar aggregate classification (germline): Uncertain significance (1 of 4 stars; one submission).

Conditions:
POLD1-related polyposis and colorectal cancer syndrome (CRCS10). Also called: COLORECTAL CANCER, SUSCEPTIBILITY TO, ON CHROMOSOME 19q; Colorectal cancer 10; Colorectal cancer, susceptibility to, 10. Identifiers: Orphanet 220460, MedGen C2675481, MONDO:0012953, OMIM 612591.

Submission:

Labcorp Genetics (formerly Invitae), Labcorp
Classification: Uncertain significance for POLD1-related polyposis and colorectal cancer syndrome. Last evaluated: 2025-05-27. Review status: criteria provided, single submitter. Criteria: Invitae Variant Classification Sherloc (09022015). Collection method: clinical testing. Allele origin: germline.
Comment: This sequence change replaces phenylalanine, which is neutral and non-polar, with leucine, which is neutral and non-polar, at codon 401 of the POLD1 protein (p.Phe401Leu). This variant is not present in population databases (gnomAD no frequency). This missense change has been observed in individual(s) with clinical features of POLD1-related conditions (PMID: 35430768). Invitae Evidence Modeling of protein sequence and biophysical properties (such as structural, functional, and spatial information, amino acid conservation, physicochemical variation, residue mobility, and thermodynamic stability) indicates that this missense variant is not expected to disrupt POLD1 protein function with a negative predictive value of 80%. In summary, the available evidence is currently insufficient to determine the role of this variant in disease. Therefore, it has been classified as a Variant of Uncertain Significance.

Literature cited by the submitters: PubMed 35430768.